The following is an entry in ClinVar:

ClinVar aggregate classification (germline): Uncertain significance (1 of 4 stars; one submission).

Allele frequency attached by ClinVar (database versions not stated): ExAC 0.00002.
gnomAD v4.1: 2 of 1,614,222 alleles (0.00012%); highest among the groups gnomAD compares: Admixed American, 0.0033%; no homozygotes.

Submission:

Labcorp Genetics (formerly Invitae), Labcorp
Classification: Uncertain significance. Last evaluated: 2024-01-17. Review status: criteria provided, single submitter. Criteria: Invitae Variant Classification Sherloc (09022015). Collection method: clinical testing. Allele origin: germline.
Comment: This sequence change replaces valine, which is neutral and non-polar, with methionine, which is neutral and non-polar, at codon 208 of the SLC25A4 protein (p.Val208Met). This variant is present in population databases (rs779367539, gnomAD 0.006%). This variant has not been reported in the literature in individuals affected with SLC25A4-related conditions. ClinVar contains an entry for this variant (Variation ID: 1716634). Advanced modeling of protein sequence and biophysical properties (such as structural, functional, and spatial information, amino acid conservation, physicochemical variation, residue mobility, and thermodynamic stability) performed at Invitae indicates that this missense variant is not expected to disrupt SLC25A4 protein function with a negative predictive value of 80%. In summary, the available evidence is currently insufficient to determine the role of this variant in disease. Therefore, it has been classified as a Variant of Uncertain Significance.

NM_001151.4(SLC25A4):c.622G>A (p.Val208Met)

Gene: SLC25A4 (solute carrier family 25 member 4; plus strand). Cytogenetic location: 4q35.1.
Variant type: single nucleotide variant.
Coding change: c.622G>A on transcript NM_001151.4 (MANE Select); coding-DNA position 622, G replaced by A.
Protein change: p.Val208Met; replaces valine 208 with methionine.
Molecular consequence: missense variant.
Genome position (GRCh38, 1-based): chr4:185,145,782, G>A. VCF-style: chr4-185145782-G-A. GRCh37 (hg19) VCF-style: chr4-186066936-G-A.
Other names: short protein forms V208M.
Identifiers: ClinVar variation 1716634 (VCV001716634.5), dbSNP rs779367539, ClinGen allele CA3156541.